The following is an entry in ClinVar:

NM_005763.4(AASS):c.459G>C (p.Trp153Cys)

Gene: AASS (aminoadipate-semialdehyde synthase; minus strand). Cytogenetic location: 7q31.32.
Variant type: single nucleotide variant.
Coding change: c.459G>C on transcript NM_005763.4 (MANE Select); coding-DNA position 459, G replaced by C.
Protein change: p.Trp153Cys; replaces tryptophan 153 with cysteine.
Molecular consequence: missense variant.
Genome position (GRCh38, 1-based): chr7:122,126,388, C>G on the plus strand (G>C on the coding strand, the complement: AASS is on the minus strand). VCF-style: chr7-122126388-C-G. GRCh37 (hg19) VCF-style: chr7-121766442-C-G.
Other names: short protein forms W153C.
Identifiers: ClinVar variation 2006665 (VCV002006665.4), dbSNP rs2486095214, ClinGen allele CA369022511.

ClinVar aggregate classification (germline): Uncertain significance (1 of 4 stars; one submission).

Submission:

Labcorp Genetics (formerly Invitae), Labcorp
Classification: Uncertain significance. Last evaluated: 2022-09-19. Review status: criteria provided, single submitter. Criteria: Invitae Variant Classification Sherloc (09022015). Collection method: clinical testing. Allele origin: germline.
Comment: This variant has not been reported in the literature in individuals affected with AASS-related conditions. In summary, the available evidence is currently insufficient to determine the role of this variant in disease. Therefore, it has been classified as a Variant of Uncertain Significance. Advanced modeling of protein sequence and biophysical properties (such as structural, functional, and spatial information, amino acid conservation, physicochemical variation, residue mobility, and thermodynamic stability) performed at Invitae indicates that this missense variant is expected to disrupt AASS protein function. This variant is not present in population databases (gnomAD no frequency). This sequence change replaces tryptophan, which is neutral and slightly polar, with cysteine, which is neutral and slightly polar, at codon 153 of the AASS protein (p.Trp153Cys).